The following is an entry in ClinVar:

ClinVar aggregate classification (germline): Conflicting classifications of pathogenicity. Review status: criteria provided, conflicting classifications (1 of 4 stars). 7 submissions from 7 submitters: Uncertain significance (1); Benign (4); Likely benign (2). Last evaluated 2026-01-13.

Conditions:
Autosomal dominant nonsyndromic hearing loss 9. Identifiers: Orphanet 90635, MedGen C1832425, MONDO:0011058, OMIM 601369.

Allele frequency attached by ClinVar (database versions not stated): 1000 Genomes Project 30x 0.00031; 1000 Genomes Project 0.00040; gnomAD exomes 0.00073 and 0.00088; ExAC 0.00080; TOPMed 0.00081; gnomAD 0.00083 and 0.00085; ESP Exome Variant Server 0.00092.
gnomAD v4.1: 1,204 of 1,610,614 alleles (0.075%); highest among the groups gnomAD compares: Middle Eastern, 0.33%; 3 homozygotes.

Submissions (7):

Labcorp Genetics (formerly Invitae), Labcorp
Classification: Benign. Last evaluated: 2026-01-13. Review status: criteria provided, single submitter. Criteria: Invitae Variant Classification Sherloc (09022015). Collection method: clinical testing. Allele origin: germline.

Blueprint Genetics
Classification: Likely benign. Last evaluated: 2024-11-11. Review status: criteria provided, single submitter. Criteria: ACMG Guidelines, 2015. Collection method: clinical testing. Allele origin: germline.

GeneDx
Classification: Benign. Last evaluated: 2019-04-29. Review status: criteria provided, single submitter. Criteria: GeneDx Variant Classification Process June 2021. Collection method: clinical testing. Allele origin: germline. Affected: yes.

Laboratory for Molecular Medicine, Mass General Brigham Personalized Medicine
Classification: Benign. Last evaluated: 2018-10-09. Review status: criteria provided, single submitter. Criteria: LMM Criteria. Collection method: clinical testing. Allele origin: germline. Observed: 3 variant alleles.
Comment: The p.Ile450Val variant in COCH is classified as benign because it has been iden tified in 0.1% (149/126048) of European chromosomes by gnomAD. Furthermore, isoleucine (Ile) at position 450 is not highly co nserved in mammals, and one mammal (platypus) carries a valine (Val), supporting that this change may be tolerated. ACMG/AMP Criteria applied: BA1, BP4.

Illumina Laboratory Services, Illumina
Classification: Likely benign for Autosomal dominant nonsyndromic hearing loss 9. Last evaluated: 2018-01-12. Review status: criteria provided, single submitter. Criteria: ICSL Variant Classification Criteria 13 December 2019. Collection method: clinical testing. Allele origin: germline.
Comment: This variant was observed in the ICSL laboratory as part of a predisposition screen in an ostensibly healthy population. It had not been previously curated by ICSL or reported in the Human Gene Mutation Database (HGMD: prior to June 1st, 2018), and was therefore a candidate for classification through an automated scoring system. Utilizing variant allele frequency, disease prevalence and penetrance estimates, and inheritance mode, an automated score was calculated to assess if this variant is too frequent to cause the disease. Based on the score and internal cut-off values, a variant classified as likely benign is not then subjected to further curation. The score for this variant resulted in a classification of likely benign for this disease.

ARUP Laboratories, Molecular Genetics and Genomics, ARUP Laboratories
Classification: Uncertain significance. Last evaluated: 2017-09-05. Review status: criteria provided, single submitter. Criteria: ARUP Molecular Germline Variant Investigation Process. Collection method: clinical testing. Allele origin: germline.
Comment: The p.Ile450Val variant (rs139503327) has not been reported in the medical literature, or gene specific variation databases but has been reported to ClinVar (Variation ID:228523). This variant is listed in the genome Aggregation Database (gnomAD) with an overall population frequency of 0.08 percent (identified on 244 out of 275,816 chromosomes including 2 homozygotes). The isoleucine at position 450 is highly conserved up to Zebrafish (considering 12 species) (Alamut v2.10.0) and computational analyses of the effects of the p.Ile450Val variant on protein structure and function provide conflicting results (SIFT: damaging, MutationTaster: disease causing, PolyPhen-2: benign). Altogether, there is not enough evidence to classify the p.Ile450Val variant with certainty.

Eurofins Ntd Llc (ga)
Classification: Benign. Last evaluated: 2017-09-01. Review status: criteria provided, single submitter. Criteria: EGL Classification Definitions 2015. Collection method: clinical testing. Allele origin: germline. Observed: 2 variant alleles, 2 heterozygotes.

NM_004086.3(COCH):c.1348A>G (p.Ile450Val)

Genes: COCH-AS1 (COCH antisense RNA 1; minus strand), COCH (cochlin; plus strand). Cytogenetic location: 14q12.
Variant type: single nucleotide variant.
Coding change: c.1348A>G on transcript NM_004086.3 (MANE Select); coding-DNA position 1348, A replaced by G.
Protein change: p.Ile450Val; replaces isoleucine 450 with valine.
Molecular consequence: missense variant. On other transcripts: non-coding transcript variant (1).
Genome position (GRCh38, 1-based): chr14:30,886,183, A>G. VCF-style: chr14-30886183-A-G. GRCh37 (hg19) VCF-style: chr14-31355389-A-G.
Other names: c.1348A>G, p.Ile450Val (NM_001135058.2); c.1543A>G, p.Ile515Val (NM_001347720.2); short protein forms I450V, I515V.
Identifiers: ClinVar variation 228523 (VCV000228523.31), dbSNP rs139503327, ClinGen allele CA7143308.
Genomic context (GRCh38, chr14:30,886,183, plus strand): 5'-GTCCTAGCTGTCATCAGAAACATCCGCTATATGAGTGGTGGAACAGCTACTGGTGATGCC[A>G]TTTCCTTCACTGTTAGAAATGTGTTTGGCCCTATAAGGGAGAGCCCCAACAAGAACTTCC-3'
Protein context (NP_004077.1, residues 440-460): MSGGTATGDA[Ile450Val]SFTVRNVFGP